The following is an entry in ClinVar:

ClinVar aggregate classification (germline): Pathogenic (1 of 4 stars; one submission).

Conditions:
Ornithine aminotransferase deficiency (GACR). Also called: HYPERORNITHINEMIA WITH GYRATE ATROPHY OF CHOROID AND RETINA; OAT DEFICIENCY; OKT DEFICIENCY; Ornithine ketoacid aminotransferase deficiency; Gyrate atrophy; Gyrate atrophy of choroid and retina. Identifiers: Orphanet 414, MedGen C0018425, MONDO:0009796, OMIM 258870.

Submission:

Labcorp Genetics (formerly Invitae), Labcorp
Classification: Pathogenic for Ornithine aminotransferase deficiency. Last evaluated: 2023-10-17. Review status: criteria provided, single submitter. Criteria: Invitae Variant Classification Sherloc (09022015). Collection method: clinical testing. Allele origin: germline.
Comment: This sequence change creates a premature translational stop signal (p.Leu360Serfs*2) in the OAT gene. It is expected to result in an absent or disrupted protein product. Loss-of-function variants in OAT are known to be pathogenic (PMID: 1737786, 23076989). This variant is not present in population databases (gnomAD no frequency). This variant has not been reported in the literature in individuals affected with OAT-related conditions. ClinVar contains an entry for this variant (Variation ID: 954106). For these reasons, this variant has been classified as Pathogenic.

Literature cited by the submitters: PubMed 1737786; PubMed 23076989.

NM_000274.4(OAT):c.1078del (p.Leu360fs)

Gene: OAT (ornithine aminotransferase; minus strand). Cytogenetic location: 10q26.13.
Variant type: Deletion.
Coding change: c.1078del on transcript NM_000274.4 (MANE Select); coding-DNA position 1078, one base deleted (C; older notation c.1078delC).
Protein change: p.Leu360fs; shifts the reading frame from leucine 360.
Molecular consequence: frameshift variant.
Genome position (GRCh38, 1-based): chr10:124,400,921, G deleted on the plus strand (C on the coding strand, the reverse complement: OAT is on the minus strand). VCF-style (leftmost placement, unchanged base first): chr10-124400920-AG-A. GRCh37 (hg19) VCF-style: chr10-126089489-AG-A.
Other names: c.664del, p.Leu222fs (NM_001171814.2); c.1078del, p.Leu360fs (NM_001322965.2, NM_001322966.2, NM_001322967.2 and 3 more transcripts); c.757del, p.Leu253fs (NM_001322971.2); c.478del, p.Leu160fs (NM_001322974.2); short protein forms L360fs, L222fs, L160fs, L253fs.
Identifiers: ClinVar variation 954106 (VCV000954106.7), dbSNP rs1951389692, ClinGen allele CA1139661718.